The following is an entry in ClinVar:

NM_000535.7(PMS2):c.164-8C>T

Gene: PMS2 (PMS1 homolog 2, mismatch repair system component; minus strand). Cytogenetic location: 7p22.1.
Variant type: single nucleotide variant.
Coding change: c.164-8C>T on transcript NM_000535.7 (MANE Select); 8 bases into the intron before coding-DNA position 164, C replaced by T.
Molecular consequence: intron variant.
Genome position (GRCh38, 1-based): chr7:6,004,066, G>A on the plus strand (C>T on the coding strand, the complement: PMS2 is on the minus strand). VCF-style: chr7-6004066-G-A. GRCh37 (hg19) VCF-style: chr7-6043697-G-A.
Other names: c.-52-8C>T (NM_001322008.2, NM_001322007.2); c.-242-8C>T (NM_001322010.2, NM_001322004.2, NM_001322013.2 and 3 more transcripts); c.-721-8C>T (NM_001322012.2, NM_001322011.2); c.-321-8C>T (NM_001322015.2); c.164-8C>T (NM_001322006.2, NM_001322014.2).
Identifiers: ClinVar variation 1154399 (VCV001154399.10), dbSNP rs2128830941, ClinGen allele CA2499218988.

ClinVar aggregate classification (germline): Likely benign. Review status: criteria provided, multiple submitters, no conflicts (2 of 4 stars). 3 submissions from 3 submitters: Likely benign (3). Last evaluated 2025-12-17.

Conditions:
Hereditary cancer-predisposing syndrome. Also called: Hereditary neoplastic syndrome; Hereditary Cancer Syndrome; Tumor predisposition; Neoplastic Syndromes, Hereditary. Identifiers: Orphanet 140162, MedGen C0027672, MeSH D009386, MONDO:0015356.
Hereditary nonpolyposis colorectal neoplasms. Identifiers: MedGen C0009405, MeSH D003123.
Lynch syndrome 4 (LYNCH4). Also called: Hereditary non-polyposis colorectal cancer, type 4; Colorectal cancer, hereditary nonpolyposis, type 4. Identifiers: Orphanet 144, MedGen C1838333, MONDO:0013699, OMIM 614337. Disease mechanism: loss of function.

Submissions (3):

Labcorp Genetics (formerly Invitae), Labcorp
Classification: Likely benign for Hereditary nonpolyposis colorectal neoplasms. Last evaluated: 2025-12-17. Review status: criteria provided, single submitter. Criteria: Invitae Variant Classification Sherloc (09022015). Collection method: clinical testing. Allele origin: germline.

Color Diagnostics, LLC DBA Color Health
Classification: Likely benign for Hereditary cancer-predisposing syndrome. Last evaluated: 2025-06-23. Review status: criteria provided, single submitter. Criteria: ACMG Guidelines, 2015. Collection method: clinical testing. Allele origin: germline.

Myriad Genetics, Inc.
Classification: Likely benign for Lynch syndrome 4. Last evaluated: 2025-01-23. Review status: criteria provided, single submitter. Criteria: Myriad Autosomal Dominant, Autosomal Recessive and X-Linked Classification Criteria (2023). Collection method: clinical testing. Allele origin: unknown.
Comment: This variant is considered likely benign. This variant is intronic and is not expected to impact mRNA splicing.